The following is an entry in ClinVar:

NM_005732.4(RAD50):c.1259A>G (p.Glu420Gly)

Gene: RAD50 (RAD50 double strand break repair protein; plus strand). Cytogenetic location: 5q31.1.
Variant type: single nucleotide variant.
Coding change: c.1259A>G on transcript NM_005732.4 (MANE Select); coding-DNA position 1259, A replaced by G.
Protein change: p.Glu420Gly; replaces glutamic acid 420 with glycine.
Molecular consequence: missense variant.
Genome position (GRCh38, 1-based): chr5:132,589,644, A>G. VCF-style: chr5-132589644-A-G. GRCh37 (hg19) VCF-style: chr5-131925336-A-G.
Other names: short protein forms E420G.
Identifiers: ClinVar variation 1762474 (VCV001762474.2), dbSNP rs1750661108, ClinGen allele CA360943596.

ClinVar aggregate classification (germline): Uncertain significance (1 of 4 stars; one submission).

Conditions:
Hereditary cancer-predisposing syndrome. Also called: Neoplastic Syndromes, Hereditary; Tumor predisposition; Hereditary Cancer Syndrome; Hereditary neoplastic syndrome. Identifiers: Orphanet 140162, MedGen C0027672, MeSH D009386, MONDO:0015356.

Submission:

Ambry Genetics
Classification: Uncertain significance for Hereditary cancer-predisposing syndrome. Last evaluated: 2022-10-20. Review status: criteria provided, single submitter. Criteria: Ambry Variant Classification Scheme 2023. Collection method: clinical testing. Allele origin: germline.
Comment: The p.E420G variant (also known as c.1259A>G), located in coding exon 9 of the RAD50 gene, results from an A to G substitution at nucleotide position 1259. The glutamic acid at codon 420 is replaced by glycine, an amino acid with similar properties. This amino acid position is not well conserved in available vertebrate species. In addition, this alteration is predicted to be tolerated by in silico analysis. Since supporting evidence is limited at this time, the clinical significance of this alteration remains unclear.